The following is an entry in ClinVar:

ClinVar aggregate classification (germline): Pathogenic/Likely pathogenic. Review status: criteria provided, multiple submitters, no conflicts (2 of 4 stars). 2 submissions from 2 submitters: Pathogenic (1); Likely pathogenic (1). Last evaluated 2025-10-27.

Conditions:
Primary hyperoxaluria, type II (HP2). Also called: OXALOSIS II; D-GLYCERATE DEHYDROGENASE DEFICIENCY; GLYCERIC ACIDURIA; GLYOXYLATE REDUCTASE/HYDROXYPYRUVATE REDUCTASE DEFICIENCY; Primary hyperoxaluria type 2. Identifiers: Orphanet 416, Orphanet 93599, MedGen C0268165, MONDO:0009824, OMIM 260000. Disease mechanism: loss of function.

Submissions (2):

Labcorp Genetics (formerly Invitae), Labcorp
Classification: Pathogenic. Last evaluated: 2025-10-27. Review status: criteria provided, single submitter. Criteria: Invitae Variant Classification Sherloc (09022015). Collection method: clinical testing. Allele origin: germline.
Comment: This sequence change affects a donor splice site in intron 8 of the GRHPR gene. While this variant is not anticipated to result in nonsense mediated decay, it likely alters RNA splicing and results in a disrupted protein product. This variant is not present in population databases (gnomAD no frequency). This variant has not been reported in the literature in individuals affected with GRHPR-related conditions. ClinVar contains an entry for this variant (Variation ID: 2907324). Variants that disrupt the consensus splice site are a relatively common cause of aberrant splicing (PMID: 17576681, 9536098). Algorithms developed to predict the effect of sequence changes on RNA splicing suggest that this variant may disrupt the consensus splice site. This variant disrupts a region of the GRHPR protein in which other variant(s) (p.Arg302Cys) have been determined to be pathogenic (PMID: 14635115, 24116921, 31685312). This suggests that this is a clinically significant region of the protein, and that variants that disrupt it are likely to be disease-causing. For these reasons, this variant has been classified as Pathogenic.

Women's Health and Genetics/Laboratory Corporation of America, LabCorp
Classification: Likely pathogenic for Primary hyperoxaluria, type II. Last evaluated: 2024-11-06. Review status: criteria provided, single submitter. Criteria: LabCorp Variant Classification Summary - May 2015. Collection method: clinical testing. Allele origin: germline.
Comment: Variant summary: GRHPR c.865+1G>A is located in a canonical splice-site and is predicted to affect mRNA splicing resulting in a significantly altered protein due to either exon skipping, shortening, or inclusion of intronic material. Variants that disrupt the consensus splice site are a relatively common cause of aberrant splicing and loss of GRHPR function. Several computational tools predict a significant impact on normal splicing: Four predict the variant abolishes a 5' splicing donor site. However, these predictions have yet to be confirmed by functional studies. The variant was absent in 251422 control chromosomes. To our knowledge, no occurrence of c.865+1G>A in individuals affected with Primary Hyperoxaluria Type 2 and no experimental evidence demonstrating its impact on protein function have been reported. ClinVar contains an entry for this variant (Variation ID: 2907324). Based on the evidence outlined above, the variant was classified as likely pathogenic.

Literature cited by the submitters: PubMed 17576681 (cited by Labcorp Genetics (formerly Invitae), Labcorp); PubMed 9536098 (cited by Labcorp Genetics (formerly Invitae), Labcorp); PubMed 14635115 (cited by Labcorp Genetics (formerly Invitae), Labcorp); PubMed 24116921 (cited by Labcorp Genetics (formerly Invitae), Labcorp); PubMed 31685312 (cited by Labcorp Genetics (formerly Invitae), Labcorp).

NM_012203.2(GRHPR):c.865+1G>A

Gene: GRHPR (glyoxylate and hydroxypyruvate reductase; plus strand). Cytogenetic location: 9p13.2.
Variant type: single nucleotide variant.
Coding change: c.865+1G>A on transcript NM_012203.2 (MANE Select); the canonical splice donor site of the intron after coding-DNA position 865, G replaced by A.
Molecular consequence: splice donor variant.
Genome position (GRCh38, 1-based): chr9:37,432,139, G>A. VCF-style: chr9-37432139-G-A. GRCh37 (hg19) VCF-style: chr9-37432136-G-A.
Identifiers: ClinVar variation 2907324 (VCV002907324.4), dbSNP rs771990662, ClinGen allele CA373444619.